The following is an entry in ClinVar:

ClinVar aggregate classification (germline): Uncertain significance (1 of 4 stars; one submission).

Submission:

Labcorp Genetics (formerly Invitae), Labcorp
Classification: Uncertain significance. Last evaluated: 2026-01-19. Review status: criteria provided, single submitter. Criteria: Invitae Variant Classification Sherloc (09022015). Collection method: clinical testing. Allele origin: germline.
Comment: This sequence change replaces serine, which is neutral and polar, with isoleucine, which is neutral and non-polar, at codon 414 of the GPR179 protein (p.Ser414Ile). This variant is present in population databases (no rsID available, gnomAD 0.0004%). This variant has not been reported in the literature in individuals affected with GPR179-related conditions. ClinVar contains an entry for this variant (Variation ID: 1522221). An algorithm developed to predict the effect of missense changes on protein structure and function (PolyPhen-2) suggests that this variant is likely to be disruptive. In summary, the available evidence is currently insufficient to determine the role of this variant in disease. Therefore, it has been classified as a Variant of Uncertain Significance.

NM_001004334.4(GPR179):c.1240_1241delinsAT (p.Ser414Ile)

Gene: GPR179 (G protein-coupled receptor 179; minus strand). Cytogenetic location: 17q12.
Variant type: Indel.
Coding change: c.1240_1241delinsAT on transcript NM_001004334.4 (MANE Select); coding-DNA positions 1240 to 1241, TC replaced by AT.
Protein change: p.Ser414Ile; replaces serine 414 with isoleucine.
Molecular consequence: missense variant.
Genome position (GRCh38, 1-based): chr17:38,336,131-38,336,132, GA replaced by AT on the plus strand (TC replaced by AT on the coding strand, the reverse complement: GPR179 is on the minus strand). VCF-style: chr17-38336131-GA-AT. GRCh37 (hg19) VCF-style: chr17-36492014-GA-AT.
Other names: short protein forms S414I.
Identifiers: ClinVar variation 1522221 (VCV001522221.8), dbSNP rs2144271569, ClinGen allele CA2573153923.